The following is an entry in ClinVar:

NM_000334.4(SCN4A):c.436G>A (p.Val146Ile)

Gene: SCN4A (sodium voltage-gated channel alpha subunit 4; minus strand). Cytogenetic location: 17q23.3.
Variant type: single nucleotide variant.
Coding change: c.436G>A on transcript NM_000334.4 (MANE Select); coding-DNA position 436, G replaced by A.
Protein change: p.Val146Ile; replaces valine 146 with isoleucine.
Molecular consequence: missense variant.
Genome position (GRCh38, 1-based): chr17:63,972,182, C>T on the plus strand (G>A on the coding strand, the complement: SCN4A is on the minus strand). VCF-style: chr17-63972182-C-T. GRCh37 (hg19) VCF-style: chr17-62049542-C-T.
Other names: short protein forms V146I.
Identifiers: ClinVar variation 843855 (VCV000843855.15), dbSNP rs367988986, ClinGen allele CA8710160.
Genomic context (GRCh38, chr17:63,972,182, plus strand): 5'-GCAGGGAGACTTACTCCACATTCTTGGACCAGGGAGGCGGGTCACTCATGGTCATGAATA[C>T]GCAGTTGGTCAAGATGGTGATCATGATGAACATGCTGAACAGCGTGGGGCAGGGTCAAGG-3'
Protein context (NP_000325.4, residues 136-156): FIMITILTNC[Val146Ile]FMTMSDPPPW

ClinVar aggregate classification (germline): Conflicting classifications of pathogenicity. Review status: criteria provided, conflicting classifications (1 of 4 stars). 5 submissions from 5 submitters: Uncertain significance (4); Likely benign (1). Last evaluated 2026-01-27.

Conditions:
Hypokalemic periodic paralysis, type 1. Also called: HypoPP; Hypokalemic Periodic Paralysis Type 1 (AD). Identifiers: Orphanet 681, MedGen C3714580, MONDO:0042979, OMIM 170400.
Hyperkalemic periodic paralysis. Also called: Familial hyperkalemic periodic paralysis; Gamstorp disease. Identifiers: Orphanet 682, MedGen C0238357, MONDO:0008224, OMIM 170500, HP:0007215.
Paramyotonia congenita of Von Eulenburg. Also called: Eulenburg disease; Myotonia congenita intermittens; Von Eulenburg paramyotonia congenita; Paramyotonia Congenita; PARALYSIS PERIODICA PARAMYOTONICA. Identifiers: Orphanet 684, MedGen C0221055, MONDO:0008195, OMIM 168300. Disease mechanism: loss of function.
Hypokalemic periodic paralysis, type 2 (HOKPP2). Identifiers: Orphanet 681, MedGen C2750061, MONDO:0013234, OMIM 613345.
Potassium-aggravated myotonia. Also called: MYOTONIA CONGENITA, ACETAZOLAMIDE-RESPONSIVE; MYOTONIA CONGENITA, ATYPICAL; SODIUM CHANNEL MUSCLE DISEASE; Myotonia congenita, atypical, acetazolamide-responsive. Identifiers: Orphanet 612, Orphanet 99734, Orphanet 99735, Orphanet 99736, MedGen C2931826, MONDO:0018959, OMIM 608390.
Congenital myasthenic syndrome 16. Identifiers: Orphanet 590, MedGen C3280112, MONDO:0013620, OMIM 614198.
Inborn genetic diseases. Identifiers: MedGen C0950123, MeSH D030342.

Allele frequency attached by ClinVar (database versions not stated): ExAC 0.00004; 1000 Genomes Project 0.00020; gnomAD 0.00024 and 0.00027; 1000 Genomes Project 30x 0.00031; TOPMed 0.00020; gnomAD exomes 0.00006; ESP Exome Variant Server 0.00024.
gnomAD v4.1: 131 of 1,613,616 alleles (0.0081%); highest among the groups gnomAD compares: African/African-American, 0.073%; no homozygotes.

Submissions (5):

Labcorp Genetics (formerly Invitae), Labcorp
Classification: Likely benign for Hyperkalemic periodic paralysis. Last evaluated: 2026-01-27. Review status: criteria provided, single submitter. Criteria: Invitae Variant Classification Sherloc (09022015). Collection method: clinical testing. Allele origin: germline.

GeneDx
Classification: Uncertain significance. Last evaluated: 2023-10-16. Review status: criteria provided, single submitter. Criteria: GeneDx Variant Classification Process June 2021. Collection method: clinical testing. Allele origin: germline. Affected: yes.
Comment: In silico analysis supports that this missense variant does not alter protein structure/function; Has not been previously published as pathogenic or benign to our knowledge

Fulgent Genetics
Classification: Uncertain significance for Paramyotonia congenita of Von Eulenburg; Hypokalemic periodic paralysis, type 1; Hyperkalemic periodic paralysis; Potassium-aggravated myotonia; Hypokalemic periodic paralysis, type 2; Congenital myasthenic syndrome 16. Last evaluated: 2022-04-20. Review status: criteria provided, single submitter. Criteria: ACMG Guidelines, 2015. Collection method: clinical testing. Allele origin: unknown.

Revvity Omics, Revvity
Classification: Uncertain significance. Last evaluated: 2022-03-07. Review status: criteria provided, single submitter. Criteria: ACMG Guidelines, 2015. Collection method: clinical testing. Allele origin: germline.

Ambry Genetics
Classification: Uncertain significance for Inborn genetic diseases. Last evaluated: 2021-08-12. Review status: criteria provided, single submitter. Criteria: Ambry Variant Classification Scheme 2023. Collection method: clinical testing. Allele origin: germline.